The following is an entry in ClinVar:

ClinVar aggregate classification (germline): Uncertain significance (0 of 4 stars; one submission).

Conditions:
DNASE1-related disorder. Also called: DNASE1-related condition.

gnomAD v4.1: 13 of 1,613,562 alleles (0.00081%); highest among the groups gnomAD compares: Non-Finnish European, 0.0011%; no homozygotes.

Submission:

PreventionGenetics, part of Exact Sciences
Classification: Uncertain significance for DNASE1-related condition. Last evaluated: 2024-04-26. Review status: no assertion criteria provided. Collection method: clinical testing. Allele origin: germline.
Comment: The DNASE1 c.233A>C variant is predicted to result in the amino acid substitution p.Asn78Thr. To our knowledge, this variant has not been reported in the literature. This variant is reported in 0.00088% of alleles in individuals of European (Non-Finnish) descent in gnomAD. At this time, the clinical significance of this variant is uncertain due to the absence of conclusive functional and genetic evidence.

NM_005223.4(DNASE1):c.233A>C (p.Asn78Thr)

Gene: DNASE1 (deoxyribonuclease 1; plus strand). Cytogenetic location: 16p13.3.
Variant type: single nucleotide variant.
Coding change: c.233A>C on transcript NM_005223.4 (MANE Select); coding-DNA position 233, A replaced by C.
Protein change: p.Asn78Thr; replaces asparagine 78 with threonine.
Molecular consequence: missense variant. On other transcripts: non-coding transcript variant (2), intron variant (1).
Genome position (GRCh38, 1-based): chr16:3,655,934, A>C. VCF-style: chr16-3655934-A-C. GRCh37 (hg19) VCF-style: chr16-3705935-A-C.
Other names: c.233A>C, p.Asn78Thr (NM_001351825.2, NM_001387135.1, NM_001387139.1 and 1 more transcripts); c.30-168A>C (NM_001387141.1); short protein forms N78T.
Identifiers: ClinVar variation 3357702 (VCV003357702.1).